The following is an entry in ClinVar:

ClinVar aggregate classification (germline): Uncertain significance (1 of 4 stars; one submission).

Submission:

Labcorp Genetics (formerly Invitae), Labcorp
Classification: Uncertain significance. Last evaluated: 2023-05-15. Review status: criteria provided, single submitter. Criteria: Invitae Variant Classification Sherloc (09022015). Collection method: clinical testing. Allele origin: unknown.
Comment: In summary, the available evidence is currently insufficient to determine the role of this variant in disease. Therefore, it has been classified as a Variant of Uncertain Significance. This variant has not been reported in the literature in individuals affected with UNC80-related conditions. A copy number gain of the genomic region encompassing the full coding sequence of the UNC80 gene has been identified. The boundaries of this event are unknown as they extend beyond the assayed region for this gene and therefore may encompass additional genes. As the precise location of this event is unknown, it may be in tandem or it may be located elsewhere in the genome.

NC_000002.11:g.(?_210636797)_(211542709_?)dup

Genes: ACADL (acyl-CoA dehydrogenase long chain; minus strand), CPS1 (carbamoyl-phosphate synthase 1; plus strand), KANSL1L (KAT8 regulatory NSL complex subunit 1 like; minus strand), LANCL1 (LanC like glutathione S-transferase 1; minus strand), MYL1 (myosin light chain 1; minus strand) and 2 more. Cytogenetic location: 2q34.
Variant type: Duplication.
Identifiers: ClinVar variation 3247574 (VCV003247574.1).